The following is an entry in ClinVar:

ClinVar aggregate classification (germline): Conflicting classifications of pathogenicity. Review status: criteria provided, conflicting classifications (1 of 4 stars). 5 submissions from 5 submitters: Uncertain significance (2); Likely benign (3). Last evaluated 2026-06-01.

Conditions:
Kufor-Rakeb syndrome (KRS). Also called: PARKINSON DISEASE 9, AUTOSOMAL RECESSIVE, JUVENILE-ONSET. Identifiers: Orphanet 306674, Orphanet 314632, MedGen C1847640, MONDO:0011706, OMIM 606693.
Autosomal recessive spastic paraplegia type 78. Identifiers: Orphanet 513436, MedGen C5567893, MONDO:0014975, OMIM 617225.
Inborn genetic diseases. Identifiers: MedGen C0950123, MeSH D030342.

Allele frequency attached by ClinVar (database versions not stated): gnomAD 0.00001; TOPMed 0.00002; ExAC 0.00003.
gnomAD v4.1: 40 of 1,614,088 alleles (0.0025%); highest among the groups gnomAD compares: Middle Eastern, 0.15%; no homozygotes.

Submissions (7):

CeGaT Center for Human Genetics Tuebingen
Classification: Likely benign. Last evaluated: 2026-06-01. Review status: criteria provided, single submitter. Criteria: CeGaT Center For Human Genetics Tuebingen Variant Classification Criteria Version 2. Collection method: clinical testing. Allele origin: germline. Affected: yes. Observed: 3 variant alleles.
Comment: ATP13A2: BP4, BP7

Labcorp Genetics (formerly Invitae), Labcorp
Classification: Likely benign for Kufor-Rakeb syndrome; Autosomal recessive spastic paraplegia type 78. Last evaluated: 2025-12-23. Review status: criteria provided, single submitter. Criteria: Invitae Variant Classification Sherloc (09022015). Collection method: clinical testing. Allele origin: germline.

Fulgent Genetics
Classification: Uncertain significance for Kufor-Rakeb syndrome; Autosomal recessive spastic paraplegia type 78. Last evaluated: 2021-07-03. Review status: criteria provided, single submitter. Criteria: ACMG Guidelines, 2015. Collection method: clinical testing. Allele origin: unknown.

Ambry Genetics
Classification: Likely benign for Inborn genetic diseases. Last evaluated: 2018-11-23. Review status: criteria provided, single submitter. Criteria: Ambry Variant Classification Scheme 2023. Collection method: clinical testing. Allele origin: germline.

Illumina Laboratory Services, Illumina
Classification: Uncertain significance for Kufor-Rakeb syndrome. Last evaluated: 2018-01-13. Review status: criteria provided, single submitter. Criteria: ICSL Variant Classification Criteria 13 December 2019. Collection method: clinical testing. Allele origin: germline.

Dr. Peter K. Rogan Lab, Western University
No classification provided (evidence only). Condition: Lung cancer. Review status: no classification provided. Collection method: in vitro. Allele origin: not applicable. Functional consequence: retained intron. Not counted in ClinVar's aggregate classification.

Dr. Peter K. Rogan Lab, Western University
No classification provided (evidence only). Condition: Colorectal cancer. Review status: no classification provided. Collection method: in vitro. Allele origin: not applicable. Functional consequence: retained intron. Not counted in ClinVar's aggregate classification.

NM_022089.4(ATP13A2):c.1314C>A (p.Leu438=)

Gene: ATP13A2 (ATPase cation transporting 13A2; minus strand). Cytogenetic location: 1p36.13.
Variant type: single nucleotide variant.
Coding change: c.1314C>A on transcript NM_022089.4 (MANE Select); coding-DNA position 1314, C replaced by A.
Protein change: p.Leu438=; no amino-acid change (leucine 438 retained).
Molecular consequence: synonymous variant.
Genome position (GRCh38, 1-based): chr1:16,996,293, G>T on the plus strand (C>A on the coding strand, the complement: ATP13A2 is on the minus strand). VCF-style: chr1-16996293-G-T. GRCh37 (hg19) VCF-style: chr1-17322788-G-T.
Other names: c.1299C>A, p.Leu433= (NM_001141973.3, NM_001141974.3).
Identifiers: ClinVar variation 293792 (VCV000293792.28), dbSNP rs764435162, ClinGen allele CA637264.
Genomic context (GRCh38, chr1:16,996,293, plus strand): 5'-CACCCCACCCCCAAGGCTTACCCGGTTTCGGTAGAGGATGAAGATGCTGTAGATGGTGCC[G>T]AGGAGAGCTGTGGGGACAGCGAAGGACTGAGTGGGATTTGGGACCCAGGTGGGGGGGGCT-3'
Protein context (NP_071372.1, residues 428-448): FVAALSVLAL[Leu438=]GTIYSIFILY